The following is an entry in ClinVar:

NM_000138.5(FBN1):c.6147T>G (p.Ser2049Arg)

Gene: FBN1 (fibrillin 1; minus strand). Cytogenetic location: 15q21.1.
Variant type: single nucleotide variant.
Coding change: c.6147T>G on transcript NM_000138.5 (MANE Select); coding-DNA position 6147, T replaced by G.
Protein change: p.Ser2049Arg; replaces serine 2049 with arginine.
Molecular consequence: missense variant.
Genome position (GRCh38, 1-based): chr15:48,441,737, A>C on the plus strand (T>G on the coding strand, the complement: FBN1 is on the minus strand). VCF-style: chr15-48441737-A-C. GRCh37 (hg19) VCF-style: chr15-48733934-A-C.
Other names: c.6147T>G, p.Ser2049Arg (NM_001406716.1); short protein forms S2049R.
Identifiers: ClinVar variation 3071534 (VCV003071534.2), dbSNP rs553959381, ClinGen allele CA392337990.

ClinVar aggregate classification (germline): Uncertain significance. Review status: criteria provided, multiple submitters, no conflicts (2 of 4 stars). 2 submissions from 2 submitters: Uncertain significance (2). Last evaluated 2024-04-05.

Conditions:
Marfan syndrome (MFS). Also called: MARFAN SYNDROME, TYPE I; Marfan syndrome type 1; Marfan's syndrome; Marfan syndrome, classic; FBN1-Related Marfan Syndrome. Identifiers: Orphanet 284963, Orphanet 558, MedGen C0024796, MONDO:0007947, OMIM 154700.

gnomAD v4.1: 1 of 1,613,644 alleles (0.000062%); highest among the groups gnomAD compares: Admixed American, 0.0017%; no homozygotes.

Submissions (2):

Women's Health and Genetics/Laboratory Corporation of America, LabCorp
Classification: Uncertain significance. Last evaluated: 2024-04-05. Review status: criteria provided, single submitter. Criteria: LabCorp Variant Classification Summary - May 2015. Collection method: clinical testing. Allele origin: germline.
Comment: Variant summary: FBN1 c.6147T>G (p.Ser2049Arg) results in a non-conservative amino acid change located in the EGF-like domain (IPR000742) of the encoded protein sequence. Three of five in-silico tools predict a damaging effect of the variant on protein function. The variant allele was found at a frequency of 4e-06 in 251032 control chromosomes. The available data on variant occurrences in the general population are insufficient to allow any conclusion about variant significance. To our knowledge, no occurrence of c.6147T>G in individuals affected with Marfan Syndrome and no experimental evidence demonstrating its impact on protein function have been reported. ClinVar contains an entry for this variant (Variation ID: 923481). Based on the evidence outlined above, the variant was classified as uncertain significance.

All of Us Research Program, National Institutes of Health
Classification: Uncertain significance for Marfan syndrome. Last evaluated: 2023-06-08. Review status: criteria provided, single submitter. Criteria: ACMG Guidelines, 2015. Collection method: clinical testing. Allele origin: germline. Inheritance: Autosomal dominant inheritance. Observed: 1 variant allele, 1 heterozygote.
Comment: This missense variant replaces serine with arginine at codon 2049 of the FBN1 protein. Computational prediction suggests that this variant may not impact protein structure and function (internally defined REVEL score threshold <= 0.5, PMID: 27666373). To our knowledge, functional studies have not been reported for this variant. This variant has not been reported in individuals affected with FBN1-related disorders in the literature. This variant has been identified in 1/251032 chromosomes in the general population by the Genome Aggregation Database (gnomAD). The available evidence is insufficient to determine the role of this variant in disease conclusively. Therefore, this variant is classified as a Variant of Uncertain Significance.

This study involves interpretation of variants in research participants for the purpose of population health screening. Participant phenotype was not available at the time of variant classification. Additional details can be found in publication PMID: 35346344, PMCID: PMC8962531